The following is an entry in ClinVar:

ClinVar aggregate classification (germline): Uncertain significance (1 of 4 stars; one submission).

Conditions:
Cardiovascular phenotype. Identifiers: MedGen CN230736.

Submission:

Ambry Genetics
Classification: Uncertain significance for Cardiovascular phenotype. Last evaluated: 2021-12-13. Review status: criteria provided, single submitter. Criteria: Ambry Variant Classification Scheme 2023. Collection method: clinical testing. Allele origin: germline.
Comment: The p.Q669R variant (also known as c.2006A>G), located in coding exon 14 of the TRPM4 gene, results from an A to G substitution at nucleotide position 2006. The glutamine at codon 669 is replaced by arginine, an amino acid with highly similar properties. This amino acid position is conserved. In addition, the in silico prediction for this alteration is inconclusive. Since supporting evidence is limited at this time, the clinical significance of this alteration remains unclear.

NM_017636.4(TRPM4):c.2006A>G (p.Gln669Arg)

Gene: TRPM4 (transient receptor potential cation channel subfamily M member 4; plus strand). Cytogenetic location: 19q13.33.
Variant type: single nucleotide variant.
Coding change: c.2006A>G on transcript NM_017636.4 (MANE Select); coding-DNA position 2006, A replaced by G.
Protein change: p.Gln669Arg; replaces glutamine 669 with arginine.
Molecular consequence: missense variant.
Genome position (GRCh38, 1-based): chr19:49,189,078, A>G. VCF-style: chr19-49189078-A-G. GRCh37 (hg19) VCF-style: chr19-49692335-A-G.
Other names: c.398A>G, p.Gln133Arg (NM_001321282.2); c.1484A>G, p.Gln495Arg (NM_001321283.2); c.944A>G, p.Gln315Arg (NM_001321285.2); c.2006A>G, p.Gln669Arg (NM_001195227.2); c.1661A>G, p.Gln554Arg (NM_001321281.2); short protein forms Q315R, Q495R, Q554R, Q669R, Q133R.
Identifiers: ClinVar variation 1784322 (VCV001784322.2), dbSNP rs2514144610, ClinGen allele CA406804217.